The following is an entry in ClinVar:

ClinVar aggregate classification (germline): Uncertain significance. Review status: criteria provided, multiple submitters, no conflicts (2 of 4 stars). 5 submissions from 5 submitters: Uncertain significance (5). Last evaluated 2025-11-11.

Conditions:
PEX13-related disorder. Also called: PEX13-related condition; PEX13-related disorders.
Inborn genetic diseases. Identifiers: MedGen C0950123, MeSH D030342.
Peroxisome biogenesis disorder 11A (Zellweger). Also called: Peroxisome biogenesis disorder 11A. Identifiers: Orphanet 912, MedGen C3554000, MONDO:0013949, OMIM 614883.

Allele frequency attached by ClinVar (database versions not stated): gnomAD 0.00003; gnomAD exomes 0.00003 and 0.00004; TOPMed 0.00003; ExAC 0.00009.
gnomAD v4.1: 50 of 1,614,034 alleles (0.0031%); highest among the groups gnomAD compares: Non-Finnish European, 0.0037%; no homozygotes.

Submissions (5):

PreventionGenetics, part of Exact Sciences
Classification: Uncertain significance for PEX13-related condition. Last evaluated: 2025-11-11. Review status: criteria provided, single submitter. Criteria: ACMG Guidelines, 2015. Collection method: clinical testing. Allele origin: germline.
Comment: The PEX13 c.199A>C variant is predicted to result in the amino acid substitution p.Ser67Arg. To our knowledge, this variant has not been reported in the literature. This variant is reported in 0.0077% of alleles in individuals of European (Non-Finnish) descent in gnomAD. At this time, the clinical significance of this variant is uncertain due to the absence of conclusive functional and genetic evidence.

Labcorp Genetics (formerly Invitae), Labcorp
Classification: Uncertain significance for Peroxisome biogenesis disorder 11A (Zellweger). Last evaluated: 2025-10-21. Review status: criteria provided, single submitter. Criteria: Invitae Variant Classification Sherloc (09022015). Collection method: clinical testing. Allele origin: germline.
Comment: This sequence change replaces serine, which is neutral and polar, with arginine, which is basic and polar, at codon 67 of the PEX13 protein (p.Ser67Arg). This variant is present in population databases (rs752073595, gnomAD 0.009%), including at least one homozygous and/or hemizygous individual. This variant has not been reported in the literature in individuals affected with PEX13-related conditions. ClinVar contains an entry for this variant (Variation ID: 502033). Invitae Evidence Modeling of protein sequence and biophysical properties (such as structural, functional, and spatial information, amino acid conservation, physicochemical variation, residue mobility, and thermodynamic stability) indicates that this missense variant is not expected to disrupt PEX13 protein function with a negative predictive value of 80%. In summary, the available evidence is currently insufficient to determine the role of this variant in disease. Therefore, it has been classified as a Variant of Uncertain Significance.

Ambry Genetics
Classification: Uncertain significance for Inborn genetic diseases. Last evaluated: 2023-06-02. Review status: criteria provided, single submitter. Criteria: Ambry Variant Classification Scheme 2023. Collection method: clinical testing. Allele origin: germline.

Illumina Laboratory Services, Illumina
Classification: Uncertain significance for Peroxisome biogenesis disorder 11A (Zellweger). Last evaluated: 2018-01-13. Review status: criteria provided, single submitter. Criteria: ICSL Variant Classification Criteria 13 December 2019. Collection method: clinical testing. Allele origin: germline.

Eurofins Ntd Llc (ga)
Classification: Uncertain significance. Last evaluated: 2017-05-18. Review status: criteria provided, single submitter. Criteria: EGL Classification Definitions 2015. Collection method: clinical testing. Allele origin: germline. Observed: 2 variant alleles, 2 heterozygotes.

NM_002618.4(PEX13):c.199A>C (p.Ser67Arg)

Gene: PEX13 (peroxisomal biogenesis factor 13; plus strand). Cytogenetic location: 2p15.
Variant type: single nucleotide variant.
Coding change: c.199A>C on transcript NM_002618.4 (MANE Select); coding-DNA position 199, A replaced by C.
Protein change: p.Ser67Arg; replaces serine 67 with arginine.
Molecular consequence: missense variant.
Genome position (GRCh38, 1-based): chr2:61,031,525, A>C. VCF-style: chr2-61031525-A-C. GRCh37 (hg19) VCF-style: chr2-61258660-A-C.
Other names: short protein forms S67R.
Identifiers: ClinVar variation 502033 (VCV000502033.17), dbSNP rs752073595, ClinGen allele CA1673255.